The following is an entry in ClinVar:

NM_002474.3(MYH11):c.5843T>C (p.Ile1948Thr)

Genes: MYH11 (myosin heavy chain 11; minus strand), NDE1 (nudE neurodevelopment protein 1; plus strand). Cytogenetic location: 16p13.11.
Variant type: single nucleotide variant.
Coding change: c.5843T>C on transcript NM_002474.3 (MANE Select); coding-DNA position 5843, T replaced by C.
Protein change: p.Ile1948Thr; replaces isoleucine 1948 with threonine.
Molecular consequence: missense variant. On other transcripts: 3 prime UTR variant (2), intron variant (2).
Genome position (GRCh38, 1-based): chr16:15,704,067, A>G on the plus strand (T>C on the coding strand, the complement: MYH11 is on the minus strand). VCF-style: chr16-15704067-A-G. GRCh37 (hg19) VCF-style: chr16-15797924-A-G.
Other names: c.*65T>C (NM_001040113.2, NM_022844.3); c.5864T>C, p.Ile1955Thr (NM_001040114.2); c.947+7207A>G (NM_001143979.2, NM_017668.3); short protein forms I1948T, I1955T.
Identifiers: ClinVar variation 626141 (VCV000626141.6), dbSNP rs764843752, ClinGen allele CA7921052.

ClinVar aggregate classification (germline): Uncertain significance. Review status: criteria provided, multiple submitters, no conflicts (2 of 4 stars). 3 submissions from 2 submitters: Uncertain significance (3). Last evaluated 2019-02-16.

Conditions:
Visceral myopathy 2. Identifiers: MedGen C5543466, MONDO:0859157, OMIM 619350.
Megacystis-microcolon-intestinal hypoperistalsis syndrome 2. Identifiers: MedGen C5543476, MONDO:0025708, OMIM 619351.
Aortic aneurysm, familial thoracic 4 (AAT4). Also called: AORTIC ANEURYSM/AORTIC DISSECTION AND PATENT DUCTUS ARTERIOSUS. Identifiers: MedGen C1851504, MONDO:0007568, OMIM 132900.
Familial thoracic aortic aneurysm and aortic dissection (TAAD). Also called: Thoracic aortic aneurysms and dissections. Identifiers: Orphanet 91387, MedGen C4707243, MONDO:0019625.

Allele frequency attached by ClinVar (database versions not stated): gnomAD exomes below 0.00001; ExAC 0.00001.
gnomAD v4.1: 4 of 1,614,112 alleles (0.00025%); highest among the groups gnomAD compares: African/African-American, 0.0027%; no homozygotes.

Submissions (3):

Color Diagnostics, LLC DBA Color Health
Classification: Uncertain significance for Familial thoracic aortic aneurysm and aortic dissection. Last evaluated: 2019-02-16. Review status: criteria provided, single submitter. Criteria: ACMG Guidelines, 2015. Collection method: clinical testing. Allele origin: germline.
Comment: Variant of Uncertain Significance due to insufficient evidence: This variant replaces 2 nucleotide in the 5' untranslated region of the MYH11 gene. To our knowledge, functional assays have not been performed for this variant nor has this variant been reported in individuals affected with cardiovascular disorders in the literature. This variant has been identified in 1/246270 chromosomes in the general population by the Genome Aggregation Database (gnomAD). Available evidence is insufficient to determine the role of this variant in disease conclusively.

Center for Genomics, Ann and Robert H. Lurie Children's Hospital of Chicago
Classification: Uncertain significance for Aortic aneurysm, familial thoracic 4. Last evaluated: 2017-11-30. Review status: criteria provided, single submitter. Criteria: ACMG Guidelines, 2015. Collection method: clinical testing. Allele origin: germline.
Comment: MYH11 NM_002474.2 exon 41 p.Ile1948Thr (c.5843T>C): This variant has not been reported in the literature but is present in 1/111720 European alleles in the Genome Aggregation Database. Evolutionary conservation and computational predictive tools for this variant are unclear. In summary, data on this variant is insufficient for disease classification. Therefore, the clinical significance of this variant is uncertain.

Center for Genomics, Ann and Robert H. Lurie Children's Hospital of Chicago
Classification: Uncertain significance for Megacystis-microcolon-intestinal hypoperistalsis syndrome 2; Aortic aneurysm, familial thoracic 4; Visceral myopathy 2. Review status: criteria provided, single submitter. Criteria: ACMG Guidelines, 2015. Collection method: clinical testing. Allele origin: germline.
Comment: MYH11 NM_002474 exon 41 p.Ile1948Thr (c.5843T>C): This variant has not been reported in the literature but is present in 1/111720 European alleles in the Genome Aggregation Database. Evolutionary conservation and computational predictive tools for this variant are unclear. In summary, data on this variant is insufficient for disease classification. Therefore, the clinical significance of this variant is uncertain